The following is an entry in ClinVar:

NM_000228.3(LAMB3):c.628+1G>A

Gene: LAMB3 (laminin subunit beta 3; minus strand). Cytogenetic location: 1q32.2.
Variant type: single nucleotide variant.
Coding change: c.628+1G>A on transcript NM_000228.3 (MANE Select); the canonical splice donor site of the intron after coding-DNA position 628, G replaced by A.
Molecular consequence: splice donor variant.
Genome position (GRCh38, 1-based): chr1:209,633,069, C>T on the plus strand (G>A on the coding strand, the complement: LAMB3 is on the minus strand). VCF-style: chr1-209633069-C-T. GRCh37 (hg19) VCF-style: chr1-209806414-C-T.
Other names: c.628+1G>A (NM_001127641.1, NM_001017402.2).
Identifiers: ClinVar variation 370503 (VCV000370503.14), dbSNP rs1057516539, ClinGen allele CA16040701.

ClinVar aggregate classification (germline): Pathogenic/Likely pathogenic. Review status: criteria provided, multiple submitters, no conflicts (2 of 4 stars). 6 submissions from 6 submitters: Pathogenic (2); Likely pathogenic (3). 1 of the submissions does not count toward it. Last evaluated 2026-03-18.

Conditions:
Junctional epidermolysis bullosa. Identifiers: Orphanet 305, MedGen C0079301, MONDO:0017612.
LAMB3-related disorder. Also called: LAMB3-related condition.
Junctional epidermolysis bullosa gravis of Herlitz. Also called: JEB-HERLITZ TYPE; Epidermolysis Bullosa Letalis; Herlitz-type junctional epidermolysis bullosa; EPIDERMOLYSIS BULLOSA JUNCTIONALIS, HERLITZ TYPE; EPIDERMOLYSIS BULLOSA, JUNCTIONAL, HERLITZ-PEARSON TYPE; EPIDERMOLYSIS BULLOSA, JUNCTIONAL 1B, SEVERE. Identifiers: Orphanet 79404, MedGen C0079683, MONDO:0009182, OMIM 226700.
Amelogenesis imperfecta type 1A. Also called: Amelogenesis imperfecta, type IA; AMELOGENESIS IMPERFECTA, HYPOPLASTIC TYPE IA; Amelogenesis imperfecta, hypoplastic type; Amelogenesis imperfecta local hypoplastic. Identifiers: Orphanet 88661, MedGen C4011403, MONDO:0007094, OMIM 104530.

Allele frequency attached by ClinVar (database versions not stated): gnomAD exomes below 0.00001; TOPMed below 0.00001; gnomAD 0.00001.
gnomAD v4.1: 5 of 1,603,308 alleles (0.00031%); highest among the groups gnomAD compares: African/African-American, 0.0027%; no homozygotes.

Submissions (6):

Leeds Amelogenesis Imperfecta Research Group, University of Leeds
Classification: Pathogenic for Amelogenesis imperfecta type 1A. Last evaluated: 2026-03-18. Review status: criteria provided, single submitter. Criteria: ACMG Guidelines, 2015. Collection method: research. Allele origin: biparental. Inheritance: Autosomal recessive inheritance. Affected: yes. Observed: 1 variant allele, 1 homozygote. Segregation with disease observed.
Comment: The NM_000227.3 c.628+1G>A is an intronic variant in LAMB3 predicted to result in alterations in splicing p.?. Variants in LAMB3 have been previously identified in individuals with amelogenesis imperfecta when heterozygous and in the serious skin blistering disease epidermolysis bullosa when biallelic. This variant has not been previously reported in a publication, but is listed in ClinVar (VCV000370503.13) in affected cases in the following submissions: SCV002765973: ''The variant was absent in 251490 control chromosomes (gnomAD). Path: 3/4 c.628+1G>A has been reported in the literature in at-least one individual affected with Junctional Epidermolysis Bullosa (e.g. Pulkkinen et al. 1995 PMID:7550237).'' SCV000617711: ''Reported in affected case by submitting lab'' SCV002281502: ''Disruption of this splice site has been observed in individual(s) with epidermolysis bullosa (PMID: 7550237)". Interestingly heterozygous individuals did not have amelogenesis imperfecta but the homozygote had both amelogenesis imperfecta and a very mild form of skin fragility. Functional studies support that this variant affects splicing (PS3). Note that Mittwollen et al. 2020 PMID:32124492 have analysed the effect of nearby splice variant: c.628G>A. Full length transcripts were shown to be at around 50-60% of the level of those from the WT allele, which might explain why the phenotype observed with this variant and the one we report is milder than other reported pathogenic LAMB3 variants. This variant is reported in gnomAD (PM2), but is extremely rare (AF 0.000003119) and has been identified only in 5 individuals in total as a heterozygous variant (v.4.1.0). CADD (v1.7) analysis showed this variant to have a score of 32.0 (20 indicates that the variant is in the top 1% of most deleterious variants of the genome, 30 indicates that it is in the top 0.1%) (PVS1). Aggregated score on Franklin shows this variant’s score to be pathogenic, however there is also a “Pathogenic no influence” flag PP5 associated with this variant. In summary, this variant meets criteria to be classified as pathogenic for amelogenesis imperfecta and very mild skin breaks when biallelic based on the ACMG/AMP criteria applied, as specified: PS4, PP1, PM3, PS3, PVS1, PP5.

GeneDx
Classification: Pathogenic. Last evaluated: 2024-02-13. Review status: criteria provided, single submitter. Criteria: GeneDx Variant Classification Process June 2021. Collection method: clinical testing. Allele origin: germline. Affected: yes.
Comment: Identified with a second LAMB3 variant in an individual with a clinical diagnosis of junctional epidermolysis bullosa (PMID: 7550237); Canonical splice site variant predicted to result in a null allele in a gene for which loss of function is a known mechanism of disease; This variant is associated with the following publications: (PMID: 25525159, 7550237)

Labcorp Genetics (formerly Invitae), Labcorp
Classification: Likely pathogenic. Last evaluated: 2023-10-10. Review status: criteria provided, single submitter. Criteria: Invitae Variant Classification Sherloc (09022015). Collection method: clinical testing. Allele origin: germline.
Comment: This sequence change affects a donor splice site in intron 7 of the LAMB3 gene. It is expected to disrupt RNA splicing. Variants that disrupt the donor or acceptor splice site typically lead to a loss of protein function (PMID: 16199547), and loss-of-function variants in LAMB3 are known to be pathogenic (PMID: 11023379, 16473856). This variant is present in population databases (no rsID available, gnomAD 0.01%). Disruption of this splice site has been observed in individual(s) with epidermolysis bullosa (PMID: 7550237). ClinVar contains an entry for this variant (Variation ID: 370503). Algorithms developed to predict the effect of sequence changes on RNA splicing suggest that this variant may disrupt the consensus splice site. In summary, the currently available evidence indicates that the variant is pathogenic, but additional data are needed to prove that conclusively. Therefore, this variant has been classified as Likely Pathogenic.

Women's Health and Genetics/Laboratory Corporation of America, LabCorp
Classification: Likely pathogenic for Junctional epidermolysis bullosa. Last evaluated: 2022-11-28. Review status: criteria provided, single submitter. Criteria: LabCorp Variant Classification Summary - May 2015. Collection method: clinical testing. Allele origin: germline.
Comment: Variant summary: LAMB3 c.628+1G>A is located in a canonical splice-site and is predicted to affect mRNA splicing resulting in a significantly altered protein due to either exon skipping, shortening, or inclusion of intronic material. Several computational tools predict a significant impact on normal splicing: Four predict the variant abolishes the canonical 5' splicing donor site. At least one publication reports experimental evidence that this variant affects mRNA splicing (example: Pulkkinen_1995). The variant was absent in 251490 control chromosomes (gnomAD). c.628+1G>A has been reported in the literature in at-least one individual affected with Junctional Epidermolysis Bullosa (example: Pulkkinen_1995). Three clinical diagnostic laboratories have submitted clinical-significance assessments for this variant to ClinVar after 2014 and all classified the variant as pathogenic/likely pathogenic. Based on the evidence outlined above, the variant was classified as likely pathogenic.

Blueprint Genetics
Classification: Likely pathogenic for LAMB3-related disorders. Last evaluated: 2020-05-18. Review status: criteria provided, single submitter. Criteria: ACMG Guidelines, 2015. Collection method: clinical testing. Allele origin: germline. Affected: yes. Observed: 2 variant alleles.

Counsyl
Classification: Likely pathogenic for Junctional epidermolysis bullosa gravis of Herlitz. Last evaluated: 2016-02-24. Review status: no assertion criteria provided. Collection method: clinical testing. Allele origin: unknown. Not counted in ClinVar's aggregate classification.

Literature cited by the submitters: PubMed 7550237 (cited by 4 submitters); PubMed 32124492 (cited by Leeds Amelogenesis Imperfecta Research Group, University of Leeds); PubMed 16199547 (cited by Labcorp Genetics (formerly Invitae), Labcorp); PubMed 11023379 (cited by Labcorp Genetics (formerly Invitae), Labcorp); PubMed 16473856 (cited by Labcorp Genetics (formerly Invitae), Labcorp); PubMed 25525159 (cited by Counsyl).